The following is an entry in ClinVar:

ClinVar aggregate classification (germline): Likely pathogenic. Review status: criteria provided, multiple submitters, no conflicts (2 of 4 stars). 3 submissions from 3 submitters: Likely pathogenic (2). 1 of the submissions does not count toward it. Last evaluated 2025-01-14.

Conditions:
Usher syndrome type 2A. Also called: RETINAL DISEASE IN USHER SYNDROME TYPE IIA, MODIFIER OF; USHER SYNDROME, TYPE IIA. Identifiers: Orphanet 231178, Orphanet 886, MedGen C1848634, MONDO:0010169, OMIM 276901.
Retinitis pigmentosa 39 (RP39). Identifiers: Orphanet 791, MedGen C3151138, MONDO:0013436, OMIM 613809.

Submissions (3):

Natera, Inc.
Classification: Likely pathogenic for Usher syndrome type 2A. Last evaluated: 2025-01-14. Review status: criteria provided, single submitter. Criteria: Natera Variant Classification Schema (03/2026). Collection method: clinical testing. Allele origin: germline.
Comment: The c.7595-1G>A variant in USH2A is a canonical splice acceptor site variant predicted to affect pre-mRNA splicing, which may result in an abnormal transcript and altered protein product. This variant is expected to result in nonsense mediated decay, truncation, or a dysfunctional protein product. This variant is rare in the general population with a frequency below the threshold expected for the associated phenotype(s). Given the available evidence, this variant is classified as Likely Pathogenic.

Baylor Genetics
Classification: Likely pathogenic for Retinitis pigmentosa 39. Last evaluated: 2023-12-20. Review status: criteria provided, single submitter. Criteria: ACMG Guidelines, 2015. Collection method: clinical testing. Allele origin: unknown.

Counsyl
Classification: Likely pathogenic for Usher syndrome type 2A; Retinitis pigmentosa 39. Last evaluated: 2018-01-09. Review status: no assertion criteria provided. Collection method: clinical testing. Allele origin: unknown. Not counted in ClinVar's aggregate classification.

NM_206933.4(USH2A):c.7595-1G>A

Gene: USH2A (usherin; minus strand). Cytogenetic location: 1q41.
Variant type: single nucleotide variant.
Coding change: c.7595-1G>A on transcript NM_206933.4 (MANE Select); the canonical splice acceptor site of the intron before coding-DNA position 7595, G replaced by A.
Molecular consequence: splice acceptor variant.
Genome position (GRCh38, 1-based): chr1:215,889,055, C>T on the plus strand (G>A on the coding strand, the complement: USH2A is on the minus strand). VCF-style: chr1-215889055-C-T. GRCh37 (hg19) VCF-style: chr1-216062397-C-T.
Identifiers: ClinVar variation 556030 (VCV000556030.5), dbSNP rs1553273421, ClinGen allele CA344841967.
Genomic context (GRCh38, chr1:215,889,055, plus strand): 5'-TGACCAACATCATTCTTGACTTCACATCCAGAAGAATCGGAGGAACTACAGGTCCAGGTT[C>T]TGTAAAGTAAAATAAATCCAGAAAGTCAGACCTCTTGGAAATGTCCCACCTCTCCTCAAA-3'